The following is an entry in ClinVar:

NM_004341.5(CAD):c.305G>A (p.Arg102His)

Gene: CAD (carbamoyl-phosphate synthetase 2, aspartate transcarbamylase, and dihydroorotase; plus strand). Cytogenetic location: 2p23.3.
Variant type: single nucleotide variant.
Coding change: c.305G>A on transcript NM_004341.5 (MANE Select); coding-DNA position 305, G replaced by A.
Protein change: p.Arg102His; replaces arginine 102 with histidine.
Molecular consequence: missense variant.
Genome position (GRCh38, 1-based): chr2:27,221,300, G>A. VCF-style: chr2-27221300-G-A. GRCh37 (hg19) VCF-style: chr2-27444168-G-A.
Other names: c.305G>A, p.Arg102His (NM_001306079.2); short protein forms R102H.
Identifiers: ClinVar variation 1911858 (VCV001911858.2), dbSNP rs868201764, ClinGen allele CA44490981.

ClinVar aggregate classification (germline): Uncertain significance (1 of 4 stars; one submission).

Allele frequency attached by ClinVar (database versions not stated): gnomAD 0.00002; gnomAD exomes 0.00002; TOPMed 0.00003.

Submission:

Labcorp Genetics (formerly Invitae), Labcorp
Classification: Uncertain significance. Last evaluated: 2021-11-22. Review status: criteria provided, single submitter. Criteria: Invitae Variant Classification Sherloc (09022015). Collection method: clinical testing. Allele origin: germline.
Comment: This sequence change replaces arginine, which is basic and polar, with histidine, which is basic and polar, at codon 102 of the CAD protein (p.Arg102His). The frequency data for this variant in the population databases is considered unreliable, as metrics indicate poor data quality at this position in the gnomAD database. This variant has not been reported in the literature in individuals affected with CAD-related conditions. Algorithms developed to predict the effect of missense changes on protein structure and function output the following: SIFT: "Tolerated"; PolyPhen-2: "Benign"; Align-GVGD: "Class C0". The histidine amino acid residue is found in multiple mammalian species, which suggests that this missense change does not adversely affect protein function. In summary, the available evidence is currently insufficient to determine the role of this variant in disease. Therefore, it has been classified as a Variant of Uncertain Significance.